The following is an entry in ClinVar:

NM_000286.3(PEX12):c.174G>T (p.Trp58Cys)

Gene: PEX12 (peroxisomal biogenesis factor 12; minus strand). Cytogenetic location: 17q12.
Variant type: single nucleotide variant.
Coding change: c.174G>T on transcript NM_000286.3 (MANE Select); coding-DNA position 174, G replaced by T.
Protein change: p.Trp58Cys; replaces tryptophan 58 with cysteine.
Molecular consequence: missense variant.
Genome position (GRCh38, 1-based): chr17:35,577,544, C>A on the plus strand (G>T on the coding strand, the complement: PEX12 is on the minus strand). VCF-style: chr17-35577544-C-A. GRCh37 (hg19) VCF-style: chr17-33904563-C-A.
Other names: short protein forms W58C.
Identifiers: ClinVar variation 1430531 (VCV001430531.5), dbSNP rs1167729519, ClinGen allele CA399138699.

ClinVar aggregate classification (germline): Uncertain significance (1 of 4 stars; one submission).

Conditions:
Peroxisome biogenesis disorder 3A (Zellweger). Also called: PEROXISOMAL BIOGENESIS DISORDER 3A (ZELLWEGER); Peroxisome biogenesis disorder 3A. Identifiers: Orphanet 912, MedGen C3553929, MONDO:0013927, OMIM 614859.

Allele frequency attached by ClinVar (database versions not stated): gnomAD 0.00001; TOPMed 0.00001; gnomAD exomes 0.00002 and 0.00003.

Submission:

Labcorp Genetics (formerly Invitae), Labcorp
Classification: Uncertain significance for Peroxisome biogenesis disorder 3A (Zellweger). Last evaluated: 2021-09-17. Review status: criteria provided, single submitter. Criteria: Invitae Variant Classification Sherloc (09022015). Collection method: clinical testing. Allele origin: germline.
Comment: This sequence change replaces tryptophan with cysteine at codon 58 of the PEX12 protein (p.Trp58Cys). The tryptophan residue is moderately conserved and there is a large physicochemical difference between tryptophan and cysteine. This variant is not present in population databases (ExAC no frequency). This variant has not been reported in the literature in individuals with PEX12-related conditions. Algorithms developed to predict the effect of missense changes on protein structure and function are either unavailable or do not agree on the potential impact of this missense change (SIFT: "Tolerated"; PolyPhen-2: "Probably Damaging"; Align-GVGD: "Class C0"). In summary, the available evidence is currently insufficient to determine the role of this variant in disease. Therefore, it has been classified as a Variant of Uncertain Significance.